The following is an entry in ClinVar:

NM_024548.4(CEP97):c.256A>C (p.Asn86His)

Gene: CEP97 (centrosomal protein 97; plus strand). Cytogenetic location: 3q12.3.
Variant type: single nucleotide variant.
Coding change: c.256A>C on transcript NM_024548.4 (MANE Select); coding-DNA position 256, A replaced by C.
Protein change: p.Asn86His; replaces asparagine 86 with histidine.
Molecular consequence: missense variant.
Genome position (GRCh38, 1-based): chr3:101,727,452, A>C. VCF-style: chr3-101727452-A-C. GRCh37 (hg19) VCF-style: chr3-101446296-A-C.
Other names: c.256A>C, p.Asn86His (NM_001303401.2, NM_001410784.1, NM_001410785.1); short protein forms N86H.
Identifiers: ClinVar variation 3673452 (VCV003673452.2).

ClinVar aggregate classification (germline): Uncertain significance (1 of 4 stars; one submission).

Submission:

Labcorp Genetics (formerly Invitae), Labcorp
Classification: Uncertain significance. Last evaluated: 2024-05-23. Review status: criteria provided, single submitter. Criteria: Invitae Variant Classification Sherloc (09022015). Collection method: clinical testing. Allele origin: germline.
Comment: This sequence change replaces asparagine, which is neutral and polar, with histidine, which is basic and polar, at codon 86 of the CEP97 protein (p.Asn86His). This variant is not present in population databases (gnomAD no frequency). This variant has not been reported in the literature in individuals affected with CEP97-related conditions. Advanced modeling of protein sequence and biophysical properties (such as structural, functional, and spatial information, amino acid conservation, physicochemical variation, residue mobility, and thermodynamic stability) performed at Invitae indicates that this missense variant is expected to disrupt CEP97 protein function with a positive predictive value of 80%. In summary, the available evidence is currently insufficient to determine the role of this variant in disease. Therefore, it has been classified as a Variant of Uncertain Significance.